The following is an entry in ClinVar:

NM_001365999.1(SZT2):c.992C>T (p.Pro331Leu)

Gene: SZT2 (SZT2 subunit of KICSTOR complex; plus strand). Cytogenetic location: 1p34.2.
Variant type: single nucleotide variant.
Coding change: c.992C>T on transcript NM_001365999.1 (MANE Select); coding-DNA position 992, C replaced by T.
Protein change: p.Pro331Leu; replaces proline 331 with leucine.
Molecular consequence: missense variant.
Genome position (GRCh38, 1-based): chr1:43,419,846, C>T. VCF-style: chr1-43419846-C-T. GRCh37 (hg19) VCF-style: chr1-43885517-C-T.
Other names: c.992C>T (NM_015284.3); c.992C>T, p.Pro331Leu (NM_015284.4); short protein forms P331L.
Identifiers: ClinVar variation 1007975 (VCV001007975.10), dbSNP rs368059626, ClinGen allele CA808308.

ClinVar aggregate classification (germline): Uncertain significance. Review status: criteria provided, multiple submitters, no conflicts (2 of 4 stars). 4 submissions from 4 submitters: Uncertain significance (4). Last evaluated 2024-10-30.

Conditions:
Developmental and epileptic encephalopathy, 18 (DEE18). Also called: Early infantile epileptic encephalopathy 18. Identifiers: Orphanet 369894, MedGen C3809624, MONDO:0014201, OMIM 615476.
Inborn genetic diseases. Identifiers: MedGen C0950123, MeSH D030342.

Allele frequency attached by ClinVar (database versions not stated): ExAC 0.00001; gnomAD exomes 0.00001 and 0.00002; TOPMed 0.00001; gnomAD 0.00003; ESP Exome Variant Server 0.00017.

Submissions (4):

Labcorp Genetics (formerly Invitae), Labcorp
Classification: Uncertain significance. Last evaluated: 2024-10-30. Review status: criteria provided, single submitter. Criteria: Invitae Variant Classification Sherloc (09022015). Collection method: clinical testing. Allele origin: germline.
Comment: This sequence change replaces proline, which is neutral and non-polar, with leucine, which is neutral and non-polar, at codon 331 of the SZT2 protein (p.Pro331Leu). This variant is present in population databases (rs368059626, gnomAD 0.01%). This variant has not been reported in the literature in individuals affected with SZT2-related conditions. ClinVar contains an entry for this variant (Variation ID: 1007975). Invitae Evidence Modeling of protein sequence and biophysical properties (such as structural, functional, and spatial information, amino acid conservation, physicochemical variation, residue mobility, and thermodynamic stability) indicates that this missense variant is not expected to disrupt SZT2 protein function with a negative predictive value of 80%. In summary, the available evidence is currently insufficient to determine the role of this variant in disease. Therefore, it has been classified as a Variant of Uncertain Significance.

Genome-Nilou Lab
Classification: Uncertain significance for Developmental and epileptic encephalopathy, 18. Last evaluated: 2023-04-11. Review status: criteria provided, single submitter. Criteria: ACMG Guidelines, 2015. Collection method: clinical testing. Allele origin: germline. Affected: no.

Ambry Genetics
Classification: Uncertain significance for Inborn genetic diseases. Last evaluated: 2021-05-10. Review status: criteria provided, single submitter. Criteria: Ambry Variant Classification Scheme 2023. Collection method: clinical testing. Allele origin: germline.

Blueprint Genetics
Classification: Uncertain significance. Last evaluated: 2018-09-25. Review status: criteria provided, single submitter. Criteria: ACMG Guidelines, 2015. Collection method: clinical testing. Allele origin: germline.